The following is an entry in ClinVar:

NM_002382.5(MAX):c.*1123A>C

Gene: MAX (MYC associated transcriptional regulator X; minus strand). Cytogenetic location: 14q23.3.
Variant type: single nucleotide variant.
Coding change: c.*1123A>C on transcript NM_002382.5 (MANE Select); 1123 bases downstream of the stop codon, A replaced by C.
Molecular consequence: 3 prime UTR variant. On other transcripts: intron variant (2).
Genome position (GRCh38, 1-based): chr14:65,075,353, T>G on the plus strand (A>C on the coding strand, the complement: MAX is on the minus strand). VCF-style: chr14-65075353-T-G. GRCh37 (hg19) VCF-style: chr14-65542071-T-G.
Other names: c.*1123A>C (NM_001407094.1, NM_001407095.1, NM_001407098.1 and 7 more transcripts); c.*1379A>C (NM_001407096.1, NM_001407099.1, NM_001407108.1 and 2 more transcripts); c.*1395A>C (NM_001407097.1, NM_001407100.1, NM_001407101.1 and 4 more transcripts); c.144+18355A>C (NM_001271069.2); c.171+18355A>C (NM_197957.4).
Identifiers: ClinVar variation 313794 (VCV000313794.6), dbSNP rs552459072, ClinGen allele CA10645746.

ClinVar aggregate classification (germline): Benign (1 of 4 stars; one submission).

Conditions:
Pheochromocytoma. Also called: MAX-Related Hereditary Paraganglioma-Pheochromocytoma Syndrome. Identifiers: Orphanet 29072, MedGen C0031511, MONDO:0008233, OMIM 171300, HP:0002666.

Allele frequency attached by ClinVar (database versions not stated): gnomAD exomes 0.00004; gnomAD 0.00014 and 0.00016; TOPMed 0.00018; 1000 Genomes Project 0.00040; 1000 Genomes Project 30x 0.00047.
gnomAD v4.1: 83 of 1,063,274 alleles (0.0078%); highest among the groups gnomAD compares: East Asian, 0.22%; 2 homozygotes.

Submission:

Illumina Laboratory Services, Illumina
Classification: Benign for Pheochromocytoma. Last evaluated: 2018-01-13. Review status: criteria provided, single submitter. Criteria: ICSL Variant Classification Criteria 13 December 2019. Collection method: clinical testing. Allele origin: germline.
Comment: This variant was observed in the ICSL laboratory as part of a predisposition screen in an ostensibly healthy population. It had not been previously curated by ICSL or reported in the Human Gene Mutation Database (HGMD: prior to June 1st, 2018), and was therefore a candidate for classification through an automated scoring system. Utilizing variant allele frequency, disease prevalence and penetrance estimates, and inheritance mode, an automated score was calculated to assess if this variant is too frequent to cause the disease. Based on the score and internal cut-off values, a variant classified as benign is not then subjected to further curation. The score for this variant resulted in a classification of benign for this disease.